The following is an entry in ClinVar:

NM_004168.4(SDHA):c.1631G>T (p.Gly544Val)

Gene: SDHA (succinate dehydrogenase complex flavoprotein subunit A; plus strand). Cytogenetic location: 5p15.33.
Variant type: single nucleotide variant.
Coding change: c.1631G>T on transcript NM_004168.4 (MANE Select); coding-DNA position 1631, G replaced by T.
Protein change: p.Gly544Val; replaces glycine 544 with valine.
Molecular consequence: missense variant. On other transcripts: intron variant (1).
Genome position (GRCh38, 1-based): chr5:251,071, G>T. VCF-style: chr5-251071-G-T. GRCh37 (hg19) VCF-style: chr5-251186-G-T.
Other names: c.1487G>T, p.Gly496Val (NM_001294332.2); c.1552-3322G>T (NM_001330758.2); short protein forms G496V, G544V.
Identifiers: ClinVar variation 3793558 (VCV003793558.1).

ClinVar aggregate classification (germline): Uncertain significance (1 of 4 stars; one submission).

Conditions:
Hereditary cancer-predisposing syndrome. Also called: Neoplastic Syndromes, Hereditary; Hereditary Cancer Syndrome; Tumor predisposition; Hereditary neoplastic syndrome. Identifiers: Orphanet 140162, MedGen C0027672, MeSH D009386, MONDO:0015356.

Submission:

Ambry Genetics
Classification: Uncertain significance for Hereditary cancer-predisposing syndrome. Last evaluated: 2025-03-04. Review status: criteria provided, single submitter. Criteria: Ambry Variant Classification Scheme 2023. Collection method: clinical testing. Allele origin: germline.
Comment: The p.G544V variant (also known as c.1631G>T), located in coding exon 12 of the SDHA gene, results from a G to T substitution at nucleotide position 1631. The glycine at codon 544 is replaced by valine, an amino acid with dissimilar properties. This amino acid position is conserved. In addition, this alteration is predicted to be tolerated by in silico analysis. Based on the available evidence, the clinical significance of this variant remains unclear.